The following is an entry in ClinVar:

NM_001005242.3(PKP2):c.1379-2008G>A

Gene: PKP2 (plakophilin 2; minus strand). Cytogenetic location: 12p11.21.
Variant type: single nucleotide variant.
Coding change: c.1379-2008G>A on transcript NM_001005242.3 (MANE Select); 2008 bases into the intron before coding-DNA position 1379, G replaced by A.
Molecular consequence: intron variant. On other transcripts: synonymous variant (2).
Genome position (GRCh38, 1-based): chr12:32,843,213, C>T on the plus strand (G>A on the coding strand, the complement: PKP2 is on the minus strand). VCF-style: chr12-32843213-C-T. GRCh37 (hg19) VCF-style: chr12-32996147-C-T.
Other names: c.1479G>A, p.Arg493= (NM_001407157.1, NM_004572.4); c.1379-2008G>A (NM_001407156.1, NM_001407155.1, NM_001407161.1); c.1052-2008G>A (NM_001407160.1, NM_001407159.1, NM_001407158.1 and 1 more transcripts).
Identifiers: ClinVar variation 2774095 (VCV002774095.4), dbSNP rs2541270026, ClinGen allele CA479177732.

ClinVar aggregate classification (germline): Conflicting classifications of pathogenicity. Review status: criteria provided, conflicting classifications (1 of 4 stars). 3 submissions from 3 submitters: Uncertain significance (1); Likely benign (2). Last evaluated 2024-03-14.

Conditions:
Cardiomyopathy (CMYO). Also called: Cardiomyopathies. Identifiers: Orphanet 167848, MedGen C0878544, MONDO:0004994, HP:0001638. Inheritance: Various modes of inheritance.
Arrhythmogenic right ventricular cardiomyopathy (ARVD). Also called: Arrhythmogenic right ventricular dysplasia; Cardiomyopathy, ARVC; Arrhythmogenic cardiomyopathy; Arrhythmogenic Right Ventricular Cardiomyopathy (ARVC). Identifiers: Orphanet 247, MedGen C0349788, MeSH D019571, MONDO:0016587. Disease mechanism: loss of function. Inheritance: Various modes of inheritance.
Cardiovascular phenotype. Identifiers: MedGen CN230736.

Submissions (3):

All of Us Research Program, National Institutes of Health
Classification: Likely benign for Arrhythmogenic right ventricular cardiomyopathy. Last evaluated: 2024-03-14. Review status: criteria provided, single submitter. Criteria: ACMG Guidelines, 2015. Collection method: clinical testing. Allele origin: germline. Inheritance: Autosomal dominant inheritance. Observed: 1 variant allele, 1 heterozygote.
Comment: This study involves interpretation of variants in research participants for the purpose of population health screening. Participant phenotype was not available at the time of variant classification. Additional details can be found in publication PMID: 35346344, PMCID: PMC8962531

Ambry Genetics
Classification: Uncertain significance for Cardiovascular phenotype. Last evaluated: 2024-01-10. Review status: criteria provided, single submitter. Criteria: Ambry Variant Classification Scheme 2023. Collection method: clinical testing. Allele origin: germline.
Comment: The c.1479G>A variant (also known as p.R493R), located in coding exon 6 of the PKP2 gene, results from a G to A substitution at nucleotide position 1479. This nucleotide substitution does not change the arginine at codon 493. This nucleotide position is conserved on limited sequence alignment. In silico splice site analysis predicts that this alteration may result in the creation or strengthening of a novel splice donor site. However, coding exon 6 is alternatively spliced, and the predominant isoform in human cardiac tissue, PKP2A, does not include this exon (Gandjbakhch E et al. Heart. 2011;97(10):844-9). Since supporting evidence is limited at this time, the clinical significance of this alteration remains unclear.

Color Diagnostics, LLC DBA Color Health
Classification: Likely benign for Cardiomyopathy. Last evaluated: 2022-01-26. Review status: criteria provided, single submitter. Criteria: ACMG Guidelines, 2015. Collection method: clinical testing. Allele origin: germline.